The following is an entry in ClinVar:

ClinVar aggregate classification (germline): Likely benign. Review status: criteria provided, multiple submitters, no conflicts (2 of 4 stars). 2 submissions from 2 submitters: Likely benign (2). Last evaluated 2025-09-23.

Allele frequency attached by ClinVar (database versions not stated): gnomAD exomes below 0.00001; TOPMed 0.00001.
gnomAD v4.1: 2 of 1,614,034 alleles (0.00012%); highest among the groups gnomAD compares: Admixed American, 0.0017%; no homozygotes.

Submissions (2):

Labcorp Genetics (formerly Invitae), Labcorp
Classification: Likely benign. Last evaluated: 2025-09-23. Review status: criteria provided, single submitter. Criteria: Invitae Variant Classification Sherloc (09022015). Collection method: clinical testing. Allele origin: germline.

GeneDx
Classification: Likely benign. Last evaluated: 2017-03-28. Review status: criteria provided, single submitter. Criteria: GeneDx Variant Classification (06012015). Collection method: clinical testing. Allele origin: germline. Affected: yes.
Comment: This variant is considered likely benign or benign based on one or more of the following criteria: it is a conservative change, it occurs at a poorly conserved position in the protein, it is predicted to be benign by multiple in silico algorithms, and/or has population frequency not consistent with disease.

NM_001040436.3(YARS2):c.960G>A (p.Leu320=)

Gene: YARS2 (tyrosyl-tRNA synthetase 2; minus strand). Cytogenetic location: 12p11.21.
Variant type: single nucleotide variant.
Coding change: c.960G>A on transcript NM_001040436.3 (MANE Select); coding-DNA position 960, G replaced by A.
Protein change: p.Leu320=; no amino-acid change (leucine 320 retained).
Molecular consequence: synonymous variant.
Genome position (GRCh38, 1-based): chr12:32,750,862, C>T on the plus strand (G>A on the coding strand, the complement: YARS2 is on the minus strand). VCF-style: chr12-32750862-C-T. GRCh37 (hg19) VCF-style: chr12-32903796-C-T.
Identifiers: ClinVar variation 517074 (VCV000517074.5), dbSNP rs1555135749, ClinGen allele CA479176734.